The following is an entry in ClinVar:

NM_001346754.2(PIGW):c.17T>C (p.Met6Thr)

Genes: MYO19 (myosin XIX; minus strand), PIGW (phosphatidylinositol glycan anchor biosynthesis class W; plus strand). Cytogenetic location: 17q12.
Variant type: single nucleotide variant.
Coding change: c.17T>C on transcript NM_001346754.2 (MANE Select); coding-DNA position 17, T replaced by C.
Protein change: p.Met6Thr; replaces methionine 6 with threonine.
Molecular consequence: missense variant.
Genome position (GRCh38, 1-based): chr17:36,537,118, T>C. VCF-style: chr17-36537118-T-C. GRCh37 (hg19) VCF-style: chr17-34892967-T-C.
Other names: p.Met6Thr; c.17T>C, p.Met6Thr (NM_001346755.2, NM_178517.5); short protein forms M6T.
Identifiers: ClinVar variation 4542151 (VCV004542151.1).

ClinVar aggregate classification (germline): Uncertain significance (1 of 4 stars; one submission).

gnomAD v4.1: 6 of 1,591,564 alleles (0.00038%); highest among the groups gnomAD compares: Non-Finnish European, 0.00043%; no homozygotes.

Submission:

Mayo Clinic Laboratories, Mayo Clinic
Classification: Uncertain significance. Last evaluated: 2025-02-15. Review status: criteria provided, single submitter. Criteria: ACMG Guidelines, 2015. Collection method: clinical testing. Allele origin: germline. Observed: 1 variant allele.
Comment: BP4, PM2_supporting